The following is an entry in ClinVar:

NM_000092.5(COL4A4):c.332C>T (p.Pro111Leu)

Gene: COL4A4 (collagen type IV alpha 4 chain; minus strand). Cytogenetic location: 2q36.3.
Variant type: single nucleotide variant.
Coding change: c.332C>T on transcript NM_000092.5 (MANE Select); coding-DNA position 332, C replaced by T.
Protein change: p.Pro111Leu; replaces proline 111 with leucine.
Molecular consequence: missense variant.
Genome position (GRCh38, 1-based): chr2:227,119,935, G>A on the plus strand (C>T on the coding strand, the complement: COL4A4 is on the minus strand). VCF-style: chr2-227119935-G-A. GRCh37 (hg19) VCF-style: chr2-227984651-G-A.
Other names: short protein forms P111L.
Identifiers: ClinVar variation 2265594 (VCV002265594.4), dbSNP rs2061688254, ClinGen allele CA350862482.

ClinVar aggregate classification (germline): Uncertain significance. Review status: criteria provided, multiple submitters, no conflicts (2 of 4 stars). 2 submissions from 2 submitters: Uncertain significance (2). Last evaluated 2026-06-01.

Conditions:
Inborn genetic diseases. Identifiers: MedGen C0950123, MeSH D030342.

Allele frequency attached by ClinVar (database versions not stated): TOPMed 0.00001.
gnomAD v4.1: 4 of 1,578,466 alleles (0.00025%); highest among the groups gnomAD compares: East Asian, 0.0046%; no homozygotes.

Submissions (2):

Women's Health and Genetics/Laboratory Corporation of America, LabCorp
Classification: Uncertain significance. Last evaluated: 2026-06-01. Review status: criteria provided, single submitter. Criteria: LabCorp Variant Classification Summary - May 2015. Collection method: clinical testing. Allele origin: germline.
Comment: Variant summary: COL4A4 c.332C>T (p.Pro111Leu) results in a non-conservative amino acid change in the encoded protein sequence. Algorithms developed to predict the effect of missense changes on protein structure and function all suggest that this variant is likely to be disruptive. The frequency data for this variant in gnomAD is considered unreliable, as metrics indicate poor data quality at this position. To our knowledge, no occurrence of c.332C>T in individuals affected with COL4A4-related conditions and no experimental evidence demonstrating its impact on protein function have been reported. ClinVar contains an entry for this variant (Variation ID: 2265594). Based on the evidence outlined above, the variant was classified as uncertain significance.

Ambry Genetics
Classification: Uncertain significance for Inborn genetic diseases. Last evaluated: 2025-02-08. Review status: criteria provided, single submitter. Criteria: Ambry Variant Classification Scheme 2023. Collection method: clinical testing. Allele origin: germline.